The following is an entry in ClinVar:

NM_000629.3(IFNAR1):c.1670T>C (p.Val557Ala)

Gene: IFNAR1 (interferon alpha and beta receptor subunit 1; plus strand). Cytogenetic location: 21q22.11.
Variant type: single nucleotide variant.
Coding change: c.1670T>C on transcript NM_000629.3 (MANE Select); coding-DNA position 1670, T replaced by C.
Protein change: p.Val557Ala; replaces valine 557 with alanine.
Molecular consequence: missense variant. On other transcripts: 3 prime UTR variant (1), intron variant (1).
Genome position (GRCh38, 1-based): chr21:33,355,545, T>C. VCF-style: chr21-33355545-T-C. GRCh37 (hg19) VCF-style: chr21-34727851-T-C.
Other names: c.*219T>C (NM_001384499.1); c.908T>C, p.Val303Ala (NM_001384500.1); c.1640T>C, p.Val547Ala (NM_001384501.1); c.1208T>C, p.Val403Ala (NM_001384502.1); c.1655T>C, p.Val552Ala (NM_001384503.1); c.1463T>C, p.Val488Ala (NM_001384504.1); c.1658+12T>C (NM_001384498.1); c.1670T>C (NM_000629.2); short protein forms V488A, V303A, V557A, V403A, V547A, V552A.
Identifiers: ClinVar variation 1367978 (VCV001367978.29), dbSNP rs141582204, ClinGen allele CA10006811.

ClinVar aggregate classification (germline): Conflicting classifications of pathogenicity. Review status: criteria provided, conflicting classifications (1 of 4 stars). 3 submissions from 3 submitters: Uncertain significance (2); Likely benign (1). Last evaluated 2025-11-04.

Allele frequency attached by ClinVar (database versions not stated): gnomAD exomes 0.00003 and 0.00005; ExAC 0.00006; ESP Exome Variant Server 0.00015; gnomAD 0.00023 and 0.00026; TOPMed 0.00024.
gnomAD v4.1: 75 of 1,550,510 alleles (0.0048%); highest among the groups gnomAD compares: African/African-American, 0.096%; no homozygotes.

Submissions (3):

Labcorp Genetics (formerly Invitae), Labcorp
Classification: Uncertain significance. Last evaluated: 2025-11-04. Review status: criteria provided, single submitter. Criteria: Invitae Variant Classification Sherloc (09022015). Collection method: clinical testing. Allele origin: germline.
Comment: This sequence change replaces valine, which is neutral and non-polar, with alanine, which is neutral and non-polar, at codon 557 of the IFNAR1 protein (p.Val557Ala). This variant is present in population databases (rs141582204, gnomAD 0.06%). This variant has not been reported in the literature in individuals affected with IFNAR1-related conditions. ClinVar contains an entry for this variant (Variation ID: 1367978). An algorithm developed to predict the effect of missense changes on protein structure and function (PolyPhen-2) suggests that this variant is likely to be tolerated. In summary, the available evidence is currently insufficient to determine the role of this variant in disease. Therefore, it has been classified as a Variant of Uncertain Significance.

Ambry Genetics
Classification: Uncertain significance. Last evaluated: 2024-11-21. Review status: criteria provided, single submitter. Criteria: Ambry Variant Classification Scheme 2023. Collection method: clinical testing. Allele origin: germline.

CeGaT Center for Human Genetics Tuebingen
Classification: Likely benign. Last evaluated: 2024-05-01. Review status: criteria provided, single submitter. Criteria: CeGaT Center For Human Genetics Tuebingen Variant Classification Criteria Version 2. Collection method: clinical testing. Allele origin: germline. Affected: yes. Observed: 1 variant allele.
Comment: IFNAR1: BP4